The following is an entry in ClinVar:

NM_152792.4(ASPRV1):c.275G>A (p.Gly92Glu)

Gene: ASPRV1 (aspartic peptidase retroviral like 1; minus strand). Cytogenetic location: 2p13.3.
Variant type: single nucleotide variant.
Coding change: c.275G>A on transcript NM_152792.4 (MANE Select); coding-DNA position 275, G replaced by A.
Protein change: p.Gly92Glu; replaces glycine 92 with glutamic acid.
Molecular consequence: missense variant. On other transcripts: non-coding transcript variant (8).
Genome position (GRCh38, 1-based): chr2:69,961,162, C>T on the plus strand (G>A on the coding strand, the complement: ASPRV1 is on the minus strand). VCF-style: chr2-69961162-C-T. GRCh37 (hg19) VCF-style: chr2-70188294-C-T.
Other names: short protein forms G92E.
Identifiers: ClinVar variation 4980402 (VCV004980402.1).

ClinVar aggregate classification (germline): Likely benign (1 of 4 stars; one submission).

Conditions:
ASPRV1-related condition.

gnomAD v4.1: 280 of 1,613,834 alleles (0.017%); highest among the groups gnomAD compares: Middle Eastern, 0.23%; no homozygotes.

Submission:

PreventionGenetics, part of Exact Sciences
Classification: Likely benign for ASPRV1-related condition. Last evaluated: 2026-05-28. Review status: criteria provided, single submitter. Criteria: ACMG Guidelines, 2015. Collection method: clinical testing. Allele origin: germline.
Comment: This variant is classified as likely benign based on ACMG/AMP sequence variant interpretation guidelines (Richards et al. 2015 PMID: 25741868, with internal and published modifications).